The following is an entry in ClinVar:

NM_000528.4(MAN2B1):c.1419+1G>A

Genes: MAN2B1 (mannosidase alpha class 2B member 1; minus strand), LOC129391064 (MPRA-validated peak3365 silencer; plus strand). Cytogenetic location: 19p13.13.
Variant type: single nucleotide variant.
Coding change: c.1419+1G>A on transcript NM_000528.4 (MANE Select); the canonical splice donor site of the intron after coding-DNA position 1419, G replaced by A.
Molecular consequence: splice donor variant.
Genome position (GRCh38, 1-based): chr19:12,657,445, C>T on the plus strand (G>A on the coding strand, the complement: MAN2B1 is on the minus strand). VCF-style: chr19-12657445-C-T. GRCh37 (hg19) VCF-style: chr19-12768259-C-T.
Other names: c.1419+1G>A (NM_000528.3); c.1416+1G>A (NM_001173498.2).
Identifiers: ClinVar variation 3241883 (VCV003241883.2), dbSNP rs2023994157.

ClinVar aggregate classification (germline): Likely pathogenic. Review status: criteria provided, multiple submitters, no conflicts (2 of 4 stars). 2 submissions from 2 submitters: Likely pathogenic (2). Last evaluated 2024-12-02.

Conditions:
Deficiency of alpha-mannosidase (MANSA). Also called: Alpha-Mannosidosis; LYSOSOMAL ALPHA-D-MANNOSIDASE DEFICIENCY; Mannosidosis, alpha-, types I and II. Identifiers: Orphanet 61, MedGen C0024748, MONDO:0009561, OMIM 248500.

Allele frequency attached by ClinVar (database versions not stated): TOPMed below 0.00001.

Submissions (2):

Natera, Inc.
Classification: Likely pathogenic for Alpha-mannosidosis. Last evaluated: 2024-12-02. Review status: criteria provided, single submitter. Criteria: Natera Variant Classification Schema (03/2026). Collection method: clinical testing. Allele origin: germline.
Comment: The c.1419+1G>A variant in MAN2B1 is a canonical splice donor site variant predicted to affect pre-mRNA splicing, which may result in an abnormal transcript and altered protein product. This variant is expected to result in nonsense mediated decay, truncation, or a dysfunctional protein product. This variant is rare in the general population with a frequency below the threshold expected for the associated phenotype(s). Given the available evidence, this variant is classified as Likely Pathogenic.

Baylor Genetics
Classification: Likely pathogenic for Deficiency of alpha-mannosidase. Last evaluated: 2024-01-18. Review status: criteria provided, single submitter. Criteria: ACMG Guidelines, 2015. Collection method: clinical testing. Allele origin: unknown.